The following is an entry in ClinVar:

NM_001386298.1(CIC):c.6037T>A (p.Ser2013Thr)

Gene: CIC (capicua transcriptional repressor; plus strand). Cytogenetic location: 19q13.2.
Variant type: single nucleotide variant.
Coding change: c.6037T>A on transcript NM_001386298.1 (MANE Select); coding-DNA position 6037, T replaced by A.
Protein change: p.Ser2013Thr; replaces serine 2013 with threonine.
Molecular consequence: missense variant.
Genome position (GRCh38, 1-based): chr19:42,292,700, T>A. VCF-style: chr19-42292700-T-A. GRCh37 (hg19) VCF-style: chr19-42796852-T-A.
Other names: c.6037T>A, p.Ser2013Thr (NM_001304815.2, NM_001379480.1, NM_001379482.1); c.3310T>A, p.Ser1104Thr (NM_001379484.1, NM_001379485.1, NM_015125.5); short protein forms S1104T, S2013T.
Identifiers: ClinVar variation 133908 (VCV000133908.7), dbSNP rs185048610, ClinGen allele CA158134.
Genomic context (GRCh38, chr19:42,292,700, plus strand): 5'-TGTGCAGCCCCCGGAGGTCCTGTCATAACAGCATTTTACTCTGGCAGCCCTGCACCCACC[T>A]CCTCAGCACCCCTGGCCCAGCCATCCCAGGCCCCCCCAAGCCTGGTCTACACTGTGGCCA-3'
Protein context (NP_001373227.1, residues 2003-2023): AFYSGSPAPT[Ser2013Thr]SAPLAQPSQA

ClinVar aggregate classification (germline): Benign/Likely benign. Review status: criteria provided, multiple submitters, no conflicts (2 of 4 stars). 4 submissions from 4 submitters: Benign (2); Likely benign (1). 1 of the submissions does not count toward it. Last evaluated 2024-11-07.

Allele frequency attached by ClinVar (database versions not stated): gnomAD exomes 0.00044 and 0.00180; gnomAD 0.00065 and 0.00079; TOPMed 0.00102; ExAC 0.00146; 1000 Genomes Project 30x 0.00375; 1000 Genomes Project 0.00379.

Submissions (4):

Blueprint Genetics
Classification: Likely benign. Last evaluated: 2024-11-07. Review status: criteria provided, single submitter. Criteria: ACMG Guidelines, 2015. Collection method: clinical testing. Allele origin: germline.

Labcorp Genetics (formerly Invitae), Labcorp
Classification: Benign. Last evaluated: 2019-12-31. Review status: criteria provided, single submitter. Criteria: Invitae Variant Classification Sherloc (09022015). Collection method: clinical testing. Allele origin: germline.

Breakthrough Genomics
Classification: Benign. Review status: criteria provided, single submitter. Criteria: ACMG Guidelines, 2015. Collection method: not provided. Allele origin: germline. Inheritance: Autosomal dominant inheritance. Affected: yes.

ITMI
No classification provided. Condition: AllHighlyPenetrant. Last evaluated: 2013-09-19. Review status: no classification provided. Collection method: reference population. Allele origin: germline. Not counted in ClinVar's aggregate classification.
Comment: Please see associated publication for description of ethnicities

Literature cited by the submitters: PubMed 24728327 (cited by ITMI).